The following is an entry in ClinVar:

ClinVar aggregate classification (germline): Uncertain significance. Review status: criteria provided, multiple submitters, no conflicts (2 of 4 stars). 2 submissions from 2 submitters: Uncertain significance (2). Last evaluated 2025-06-18.

Conditions:
Familial melanoma. Also called: Hereditary melanoma; Hereditary cutaneous melanoma. Identifiers: Orphanet 618, MedGen C1512419, MONDO:0018961.
Hereditary cancer-predisposing syndrome. Also called: Hereditary Cancer Syndrome; Tumor predisposition; Hereditary neoplastic syndrome; Neoplastic Syndromes, Hereditary. Identifiers: Orphanet 140162, MedGen C0027672, MeSH D009386, MONDO:0015356.

gnomAD v4.1: 5 of 1,614,200 alleles (0.00031%); highest among the groups gnomAD compares: Non-Finnish European, 0.00042%; no homozygotes.

Submissions (2):

Ambry Genetics
Classification: Uncertain significance for Hereditary cancer-predisposing syndrome. Last evaluated: 2025-06-18. Review status: criteria provided, single submitter. Criteria: Ambry Variant Classification Scheme 2023. Collection method: clinical testing. Allele origin: germline.
Comment: The p.G43R variant (also known as c.127G>C), located in coding exon 1 of the CDK4 gene, results from a G to C substitution at nucleotide position 127. The glycine at codon 43 is replaced by arginine, an amino acid with dissimilar properties. This amino acid position is not well conserved in available vertebrate species. In addition, this alteration is predicted to be tolerated by in silico analysis. Based on the available evidence, the clinical significance of this variant remains unclear.

Labcorp Genetics (formerly Invitae), Labcorp
Classification: Uncertain significance for Familial melanoma. Last evaluated: 2023-01-18. Review status: criteria provided, single submitter. Criteria: Invitae Variant Classification Sherloc (09022015). Collection method: clinical testing. Allele origin: germline.
Comment: This sequence change replaces glycine, which is neutral and non-polar, with arginine, which is basic and polar, at codon 43 of the CDK4 protein (p.Gly43Arg). In summary, the available evidence is currently insufficient to determine the role of this variant in disease. Therefore, it has been classified as a Variant of Uncertain Significance. Advanced modeling of protein sequence and biophysical properties (such as structural, functional, and spatial information, amino acid conservation, physicochemical variation, residue mobility, and thermodynamic stability) performed at Invitae indicates that this missense variant is not expected to disrupt CDK4 protein function. ClinVar contains an entry for this variant (Variation ID: 645122). This variant has not been reported in the literature in individuals affected with CDK4-related conditions. This variant is not present in population databases (gnomAD no frequency).

NM_000075.4(CDK4):c.127G>C (p.Gly43Arg)

Genes: CDK4 (cyclin dependent kinase 4; minus strand), LOC130008148 (ATAC-STARR-seq lymphoblastoid silent region 4588; plus strand). Cytogenetic location: 12q14.1.
Variant type: single nucleotide variant.
Coding change: c.127G>C on transcript NM_000075.4 (MANE Select); coding-DNA position 127, G replaced by C.
Protein change: p.Gly43Arg; replaces glycine 43 with arginine.
Molecular consequence: missense variant.
Genome position (GRCh38, 1-based): chr12:57,751,591, C>G on the plus strand (G>C on the coding strand, the complement: CDK4 is on the minus strand). VCF-style: chr12-57751591-C-G. GRCh37 (hg19) VCF-style: chr12-58145374-C-G.
Other names: short protein forms G43R.
Identifiers: ClinVar variation 645122 (VCV000645122.10), dbSNP rs1595111088, ClinGen allele CA385548768.